The following is an entry in ClinVar:

NM_000138.5(FBN1):c.7742G>C (p.Cys2581Ser)

Gene: FBN1 (fibrillin 1; minus strand). Cytogenetic location: 15q21.1.
Variant type: single nucleotide variant.
Coding change: c.7742G>C on transcript NM_000138.5 (MANE Select); coding-DNA position 7742, G replaced by C.
Protein change: p.Cys2581Ser; replaces cysteine 2581 with serine.
Molecular consequence: missense variant.
Genome position (GRCh38, 1-based): chr15:48,420,764, C>G on the plus strand (G>C on the coding strand, the complement: FBN1 is on the minus strand). VCF-style: chr15-48420764-C-G. GRCh37 (hg19) VCF-style: chr15-48712961-C-G.
Other names: short protein forms C2581S.
Identifiers: ClinVar variation 1393814 (VCV001393814.8), dbSNP rs1555394149, ClinGen allele CA392324754.

ClinVar aggregate classification (germline): Pathogenic (1 of 4 stars; one submission).

Conditions:
Marfan syndrome (MFS). Also called: Marfan syndrome type 1; Marfan's syndrome; FBN1-Related Marfan Syndrome; MARFAN SYNDROME, TYPE I; Marfan syndrome, classic. Identifiers: Orphanet 284963, Orphanet 558, MedGen C0024796, MONDO:0007947, OMIM 154700.
Familial thoracic aortic aneurysm and aortic dissection (TAAD). Also called: Thoracic aortic aneurysms and dissections. Identifiers: Orphanet 91387, MedGen C4707243, MONDO:0019625.

Submission:

Labcorp Genetics (formerly Invitae), Labcorp
Classification: Pathogenic for Marfan syndrome; Familial thoracic aortic aneurysm and aortic dissection. Last evaluated: 2021-03-23. Review status: criteria provided, single submitter. Criteria: Invitae Variant Classification Sherloc (09022015). Collection method: clinical testing. Allele origin: germline.
Comment: This variant affects a cysteine residue in the EGF-like, TGFBP or hybrid motif domains of FBN1. Cysteine residues are believed to be involved in intramolecular disulfide bridges and have been shown to be important for FBN1 protein structure (PMID: 16905551, 19349279). In addition, missense substitutions affecting cysteine residues within these domains are significantly overrepresented among patients with Marfan syndrome (PMID: 16571647, 17701892). For these reasons, this variant has been classified as Pathogenic. Advanced modeling of protein sequence and biophysical properties (such as structural, functional, and spatial information, amino acid conservation, physicochemical variation, residue mobility, and thermodynamic stability) performed at Invitae indicates that this missense variant is expected to disrupt FBN1 protein function. This sequence change replaces cysteine with serine at codon 2581 of the FBN1 protein (p.Cys2581Ser). The cysteine residue is highly conserved and there is a moderate physicochemical difference between cysteine and serine. This variant is not present in population databases (ExAC no frequency). This missense variant has been observed in individual(s) with Marfan syndrome (PMID: 18354149). In at least one individual the variant was observed to be de novo.

Literature cited by the submitters: PubMed 16905551; PubMed 19349279; PubMed 16571647; PubMed 17701892; PubMed 18354149.